The following is an entry in ClinVar:

ClinVar aggregate classification (germline): Likely benign (1 of 4 stars; one submission).

gnomAD v4.1: 7 of 1,209,648 alleles (0.00058%); highest among the groups gnomAD compares: South Asian, 0.012%; no homozygotes.

Submission:

CeGaT Center for Human Genetics Tuebingen
Classification: Likely benign. Last evaluated: 2025-11-01. Review status: criteria provided, single submitter. Criteria: CeGaT Center For Human Genetics Tuebingen Variant Classification Criteria Version 2. Collection method: clinical testing. Allele origin: germline. Affected: yes. Observed: 1 variant allele.
Comment: OCRL: BP4, BP7

NM_000276.4(OCRL):c.261G>A (p.Gln87=)

Gene: OCRL (OCRL inositol polyphosphate-5-phosphatase; plus strand). Cytogenetic location: Xq26.1.
Variant type: single nucleotide variant.
Coding change: c.261G>A on transcript NM_000276.4 (MANE Select); coding-DNA position 261, G replaced by A.
Protein change: p.Gln87=; no amino-acid change (glutamine 87 retained).
Molecular consequence: synonymous variant.
Genome position (GRCh38, 1-based): chrX:129,557,347, G>A. VCF-style: chrX-129557347-G-A. GRCh37 (hg19) VCF-style: chrX-128691324-G-A.
Other names: c.264G>A, p.Gln88= (NM_001318784.2); c.261G>A, p.Gln87= (NM_001587.4).
Identifiers: ClinVar variation 4535357 (VCV004535357.6).